The following is an entry in ClinVar:

ClinVar aggregate classification (germline): Conflicting classifications of pathogenicity. Review status: criteria provided, conflicting classifications (1 of 4 stars). 4 submissions from 4 submitters: Uncertain significance (3); Likely benign (1). Last evaluated 2023-08-16.

Conditions:
Long QT syndrome (LQTS). Identifiers: MedGen C0023976, MeSH D008133, MONDO:0002442. Disease mechanism: loss of function. Inheritance: Various modes of inheritance.
Cardiovascular phenotype. Identifiers: MedGen CN230736.

Submissions (4):

Labcorp Genetics (formerly Invitae), Labcorp
Classification: Uncertain significance for Long QT syndrome. Last evaluated: 2023-08-16. Review status: criteria provided, single submitter. Criteria: Invitae Variant Classification Sherloc (09022015). Collection method: clinical testing. Allele origin: germline.
Comment: Experimental studies and prediction algorithms are not available or were not evaluated, and the functional significance of this variant is currently unknown. In summary, the available evidence is currently insufficient to determine the role of this variant in disease. Therefore, it has been classified as a Variant of Uncertain Significance. ClinVar contains an entry for this variant (Variation ID: 1371068). This variant, c.5068_5070del, results in the deletion of 1 amino acid(s) of the CACNA1C protein (p.Ala1690del), but otherwise preserves the integrity of the reading frame. This variant is present in population databases (no rsID available, gnomAD 0.01%). This variant has not been reported in the literature in individuals affected with CACNA1C-related conditions.

Ambry Genetics
Classification: Uncertain significance for Cardiovascular phenotype. Last evaluated: 2020-12-01. Review status: criteria provided, single submitter. Criteria: Ambry Variant Classification Scheme 2023. Collection method: clinical testing. Allele origin: germline.
Comment: The c.5068_5070delGCT variant (also known as p.A1690del) is located in coding exon 41 of the CACNA1C gene. This variant results from an in-frame GCT deletion at nucleotide positions 5068 to 5070. This results in the in-frame deletion of an alanine at codon 1690. This amino acid position is well conserved in available vertebrate species. In addition, the in silico prediction for this alteration is inconclusive (Choi Y et al. PLoS ONE. 2012; 7(10):e46688). Since supporting evidence is limited at this time, the clinical significance of this alteration remains unclear.

Laboratorio de Genetica e Diagnostico Molecular, Hospital Israelita Albert Einstein
Classification: Uncertain significance. Last evaluated: 2020-01-03. Review status: criteria provided, single submitter. Criteria: ACMG Guidelines, 2015. Collection method: clinical testing. Allele origin: germline. Affected: yes.
Comment: ACMG classification criteria: PM2, PM4, PP3

Blueprint Genetics
Classification: Likely benign. Last evaluated: 2019-10-08. Review status: criteria provided, single submitter. Criteria: ACMG Guidelines, 2015. Collection method: clinical testing. Allele origin: germline.

NM_000719.7(CACNA1C):c.5065GCT[1] (p.Ala1690del)

Genes: CACNA1C (calcium voltage-gated channel subunit alpha1 C; plus strand), CACNA1C-AS1 (CACNA1C antisense RNA 1; minus strand). Cytogenetic location: 12p13.33.
Variant type: Microsatellite.
Coding change: c.5065GCT[1] on transcript NM_000719.7 (MANE Select); one copy of the 3-base unit GCT starting at c.5065; the reference has two copies in a row; one copy, 3 bases deleted.
Protein change: p.Ala1690del; deletes alanine 1690.
Molecular consequence: inframe deletion. On other transcripts: non-coding transcript variant (1).
Genome position (GRCh38, 1-based): chr12:2,677,844-2,677,846, GCT deleted; deleting any 3 consecutive bases within chr12:2,677,841-2,677,846 gives the same sequence; the position shown is the placement nearest the transcript's 3' end. VCF-style (leftmost placement, unchanged base first): chr12-2677840-CGCT-C. GRCh37 (hg19) VCF-style: chr12-2787006-CGCT-C.
Other names: c.5209GCT[1], p.Ala1738del (NM_001129827.2, NM_199460.4); c.5188GCT[1], p.Ala1731del (NM_001129829.2); c.5065GCT[1], p.Ala1690del (NM_001129830.3, NM_001129840.2, NM_001129841.2 and 4 more transcripts); c.5149GCT[1], p.Ala1718del (NM_001129831.2); c.5125GCT[1], p.Ala1710del (NM_001129832.2); c.5122GCT[1], p.Ala1709del (NM_001129833.2, NM_001129834.2, NM_001129835.2); c.5116GCT[1], p.Ala1707del (NM_001129836.2); c.5089GCT[1], p.Ala1698del (NM_001129837.2, NM_001129838.2); and 4 more; short protein forms A1687del, A1709del, A1679del, A1696del, A1707del, A1731del, A1690del, A1698del.
Identifiers: ClinVar variation 1371068 (VCV001371068.11), dbSNP rs1569209887, ClinGen allele CA603040466.
Genomic context (GRCh38, chr12:2,677,840, plus strand): 5'-CATCTCTGGAGATCTCACCGCTGAGGAGGAGCTGGACAAGGCCATGAAGGAGGCTGTGTC[CGCT>C]GCTTCTGAAGATGACATCTTCAGGGTGGGTGGTGCCATGGCGCACTCTCGACCCCTATAA-3'